The following is an entry in ClinVar:

ClinVar aggregate classification (germline): Benign/Likely benign. Review status: criteria provided, multiple submitters, no conflicts (2 of 4 stars). 4 submissions from 4 submitters: Benign (1); Likely benign (3). Last evaluated 2025-02-26.

Conditions:
Hereditary cancer-predisposing syndrome. Also called: Hereditary Cancer Syndrome; Tumor predisposition; Hereditary neoplastic syndrome; Neoplastic Syndromes, Hereditary. Identifiers: Orphanet 140162, MedGen C0027672, MeSH D009386, MONDO:0015356.
Hereditary diffuse gastric adenocarcinoma (HDGC). Also called: DIFFUSE GASTRIC AND LOBULAR BREAST CANCER SYNDROME. Identifiers: Orphanet 26106, MedGen C1708349, MONDO:0007648, OMIM 137215.

Allele frequency attached by ClinVar (database versions not stated): gnomAD exomes below 0.00001.
gnomAD v4.1: 3 of 1,613,482 alleles (0.00019%); highest among the groups gnomAD compares: Non-Finnish European, 0.000085%; no homozygotes.

Submissions (4):

Labcorp Genetics (formerly Invitae), Labcorp
Classification: Likely benign. Last evaluated: 2025-02-26. Review status: criteria provided, single submitter. Criteria: Invitae Variant Classification Sherloc (09022015). Collection method: clinical testing. Allele origin: germline.

Myriad Genetics, Inc.
Classification: Benign for Hereditary diffuse gastric adenocarcinoma. Last evaluated: 2024-10-10. Review status: criteria provided, single submitter. Criteria: Myriad Autosomal Dominant, Autosomal Recessive and X-Linked Classification Criteria (2023). Collection method: clinical testing. Allele origin: unknown.
Comment: This variant is considered benign. This variant is a silent/synonymous amino acid change and it is not expected to impact splicing.

CeGaT Center for Human Genetics Tuebingen
Classification: Likely benign. Last evaluated: 2024-10-01. Review status: criteria provided, single submitter. Criteria: CeGaT Center For Human Genetics Tuebingen Variant Classification Criteria Version 2. Collection method: clinical testing. Allele origin: germline. Affected: yes. Observed: 1 variant allele.
Comment: CTNNA1: BP4, BP7

Ambry Genetics
Classification: Likely benign for Hereditary cancer-predisposing syndrome. Last evaluated: 2022-08-17. Review status: criteria provided, single submitter. Criteria: Ambry Variant Classification Scheme 2023. Collection method: clinical testing. Allele origin: germline.

NM_001903.5(CTNNA1):c.525C>A (p.Ile175=)

Gene: CTNNA1 (catenin alpha 1; plus strand). Cytogenetic location: 5q31.2.
Variant type: single nucleotide variant.
Coding change: c.525C>A on transcript NM_001903.5 (MANE Select); coding-DNA position 525, C replaced by A.
Protein change: p.Ile175=; no amino-acid change (isoleucine 175 retained).
Molecular consequence: synonymous variant.
Genome position (GRCh38, 1-based): chr5:138,812,239, C>A. VCF-style: chr5-138812239-C-A. GRCh37 (hg19) VCF-style: chr5-138147928-C-A.
Other names: c.525C>A, p.Ile175= (NM_001290307.3, NM_001323982.2, NM_001323983.1 and 3 more transcripts); c.216C>A, p.Ile72= (NM_001290309.3); c.156C>A, p.Ile52= (NM_001290310.3).
Identifiers: ClinVar variation 760106 (VCV000760106.28), dbSNP rs200342369, ClinGen allele CA128220922.